The following is an entry in ClinVar:

ClinVar aggregate classification (germline): Uncertain significance (1 of 4 stars; one submission).

Allele frequency attached by ClinVar (database versions not stated): ExAC 0.00001; gnomAD 0.00003; TOPMed 0.00004; gnomAD exomes 0.00008.

Submission:

Labcorp Genetics (formerly Invitae), Labcorp
Classification: Uncertain significance. Last evaluated: 2024-01-12. Review status: criteria provided, single submitter. Criteria: Invitae Variant Classification Sherloc (09022015). Collection method: clinical testing. Allele origin: germline.
Comment: This sequence change replaces arginine, which is basic and polar, with tryptophan, which is neutral and slightly polar, at codon 636 of the SIRT1 protein (p.Arg636Trp). This variant is present in population databases (rs201647881, gnomAD 0.004%). This variant has not been reported in the literature in individuals affected with SIRT1-related conditions. An algorithm developed to predict the effect of missense changes on protein structure and function (PolyPhen-2) suggests that this variant is likely to be disruptive. Algorithms developed to predict the effect of sequence changes on RNA splicing suggest that this variant may disrupt the consensus splice site. In summary, the available evidence is currently insufficient to determine the role of this variant in disease. Therefore, it has been classified as a Variant of Uncertain Significance.

NM_012238.5(SIRT1):c.1906C>T (p.Arg636Trp)

Gene: SIRT1 (sirtuin 1; plus strand). Cytogenetic location: 10q21.3.
Variant type: single nucleotide variant.
Coding change: c.1906C>T on transcript NM_012238.5 (MANE Select); coding-DNA position 1906, C replaced by T.
Protein change: p.Arg636Trp; replaces arginine 636 with tryptophan.
Molecular consequence: missense variant.
Genome position (GRCh38, 1-based): chr10:67,913,022, C>T. VCF-style: chr10-67913022-C-T. GRCh37 (hg19) VCF-style: chr10-69672779-C-T.
Other names: c.1021C>T, p.Arg341Trp (NM_001142498.2); c.997C>T, p.Arg333Trp (NM_001314049.2); short protein forms R341W, R333W, R636W.
Identifiers: ClinVar variation 3013853 (VCV003013853.3), dbSNP rs201647881, ClinGen allele CA5521352.